The following is an entry in ClinVar:

ClinVar aggregate classification (germline): Pathogenic. Review status: criteria provided, multiple submitters, no conflicts (2 of 4 stars). 4 submissions from 4 submitters: Pathogenic (4). Last evaluated 2025-06-02.

Conditions:
SON-related disorder. Also called: SON-related condition.
ZTTK syndrome (ZTTKS). Also called: Zhu-Tokita-Takenouchi-Kim Syndrome; ZTTK MULTIPLE CONGENITAL ANOMALIES-MENTAL RETARDATION SYNDROME. Identifiers: Orphanet 500150, MedGen C4310696, MONDO:0014936, OMIM 617140.

Submissions (4):

PreventionGenetics, part of Exact Sciences
Classification: Pathogenic for SON-related condition. Last evaluated: 2025-06-02. Review status: criteria provided, single submitter. Criteria: ACMG Guidelines, 2015. Collection method: clinical testing. Allele origin: germline.
Comment: The SON c.3241C>T variant is predicted to result in premature protein termination (p.Arg1081*). This variant has been reported to have occurred de novo in an individual with developmental delay, intellectual disability, and renal hypoplasia/dysplasia (Table S4, Liu et al. 2022. PubMed ID: 36549658). This variant has not been reported in a large population database (gnomAD), indicating this variant is rare. Nonsense variants in SON are expected to be pathogenic. This variant is interpreted as pathogenic.

Variantyx, Inc.
Classification: Pathogenic for ZTTK syndrome. Last evaluated: 2025-04-28. Review status: criteria provided, single submitter. Criteria: Variantyx Assertion Criteria 2022. Collection method: clinical testing. Allele origin: de novo. Inheritance: Autosomal dominant inheritance. Affected: yes.
Comment: This is a nonsense variant in the SON gene (OMIM: 182465). Pathogenic variants in this gene have been associated with autosomal dominant ZTTK syndrome. The variant introduces a premature termination codon in exon 3 out of 12 and is expected to result in loss of function, which is a known disease mechanism for SON in this disorder (PMID: 27545676) (PVS1). This variant is absent from control populations (PM2). Based on the current evidence, this variant is classified as pathogenic for autosomal dominant ZTTK syndrome.

GeneDx
Classification: Pathogenic. Last evaluated: 2024-11-25. Review status: criteria provided, single submitter. Criteria: GeneDx Variant Classification Process June 2021. Collection method: clinical testing. Allele origin: germline. Affected: yes.
Comment: Nonsense variant predicted to result in protein truncation or nonsense mediated decay in a gene for which loss of function is a known mechanism of disease; Not observed at significant frequency in large population cohorts (gnomAD); This variant is associated with the following publications: (PMID: 36549658)

Labcorp Genetics (formerly Invitae), Labcorp
Classification: Pathogenic. Last evaluated: 2022-03-27. Review status: criteria provided, single submitter. Criteria: Invitae Variant Classification Sherloc (09022015). Collection method: clinical testing. Allele origin: germline.
Comment: For these reasons, this variant has been classified as Pathogenic. This variant has not been reported in the literature in individuals affected with SON-related conditions. This variant is not present in population databases (gnomAD no frequency). This sequence change creates a premature translational stop signal (p.Arg1081*) in the SON gene. It is expected to result in an absent or disrupted protein product. Loss-of-function variants in SON are known to be pathogenic (PMID: 27545676, 27545680).

Literature cited by the submitters: PubMed 36549658 (cited by Variantyx, Inc.); PubMed 27545676 (cited by Variantyx, Inc. and Labcorp Genetics (formerly Invitae), Labcorp); PubMed 27545680 (cited by Labcorp Genetics (formerly Invitae), Labcorp).

NM_138927.4(SON):c.3241C>T (p.Arg1081Ter)

Gene: SON (SON DNA and RNA binding protein; plus strand). Cytogenetic location: 21q22.11.
Variant type: single nucleotide variant.
Coding change: c.3241C>T on transcript NM_138927.4 (MANE Select); coding-DNA position 3241, C replaced by T.
Protein change: p.Arg1081Ter; replaces arginine 1081 with a stop codon.
Molecular consequence: nonsense. On other transcripts: non-coding transcript variant (1), intron variant (1).
Genome position (GRCh38, 1-based): chr21:33,552,472, C>T. VCF-style: chr21-33552472-C-T. GRCh37 (hg19) VCF-style: chr21-34924778-C-T.
Other names: c.3241C>T (NM_138927.2); c.3241C>T, p.Arg1081Ter (NM_001291411.2, NM_001412133.1, NM_032195.3 and 2 more transcripts); c.245-4684C>T (NM_001291412.3); short protein forms R1081*.
Identifiers: ClinVar variation 2118270 (VCV002118270.7), dbSNP rs905110628, ClinGen allele CA410159778.